The following is an entry in ClinVar:

NM_001001331.4(ATP2B2):c.1866G>T (p.Met622Ile)

Gene: ATP2B2 (ATPase plasma membrane Ca2+ transporting 2; minus strand). Cytogenetic location: 3p25.3.
Variant type: single nucleotide variant.
Coding change: c.1866G>T on transcript NM_001001331.4 (MANE Select); coding-DNA position 1866, G replaced by T.
Protein change: p.Met622Ile; replaces methionine 622 with isoleucine.
Molecular consequence: missense variant.
Genome position (GRCh38, 1-based): chr3:10,359,917, C>A on the plus strand (G>T on the coding strand, the complement: ATP2B2 is on the minus strand). VCF-style: chr3-10359917-C-A. GRCh37 (hg19) VCF-style: chr3-10401601-C-A.
Other names: c.1731G>T, p.Met577Ile (NM_001330611.3, NM_001353564.1, NM_001363862.1 and 1 more transcripts); short protein forms M577I, M622I.
Identifiers: ClinVar variation 1706256 (VCV001706256.3), dbSNP rs2470292671, ClinGen allele CA351781213.
Genomic context (GRCh38, chr3:10,359,917, plus strand): 5'-CCCCGGTGCCCTGCCCAGCGCTTACTTCTTGAGCACGATCTCAGAAGCCCCCTTGCTGTA[C>A]ATGCGGAAGCTCTCGTCGGGCAGCTTGATGACAGTGCTCATGGACTTGCGCACGGAGTTG-3'
Protein context (NP_001001331.1, residues 612-632): VIKLPDESFR[Met622Ile]YSKGASEIVL

ClinVar aggregate classification (germline): Uncertain significance (1 of 4 stars; one submission).

Submission:

GeneDx
Classification: Uncertain significance. Last evaluated: 2023-10-11. Review status: criteria provided, single submitter. Criteria: GeneDx Variant Classification Process June 2021. Collection method: clinical testing. Allele origin: germline.
Comment: Not observed at significant frequency in large population cohorts (gnomAD); In silico analysis supports that this missense variant does not alter protein structure/function; Has not been previously published as pathogenic or benign to our knowledge